The following is an entry in ClinVar:

NM_001145026.2(PTPRQ):c.4869T>A (p.Tyr1623Ter)

Gene: PTPRQ (protein tyrosine phosphatase receptor type Q; plus strand). Cytogenetic location: 12q21.31.
Variant type: single nucleotide variant.
Coding change: c.4869T>A on transcript NM_001145026.2 (MANE Select); coding-DNA position 4869, T replaced by A.
Protein change: p.Tyr1623Ter; replaces tyrosine 1623 with a stop codon.
Molecular consequence: nonsense.
Genome position (GRCh38, 1-based): chr12:80,610,576, T>A. VCF-style: chr12-80610576-T-A. GRCh37 (hg19) VCF-style: chr12-81004355-T-A.
Other names: short protein forms Y1623*.
Identifiers: ClinVar variation 3601705 (VCV003601705.1).
Genomic context (GRCh38, chr12:80,610,576, plus strand): 5'-AATATTCACAAGGTATTCTGTAGTGATCACTGCATTTACTGGGAACATTAGTGCTGCATA[T>A]GTAGAAGGGAAGTCAAGTGCTGAAATGATTGTTACTACTTTAGAATCAGGTAAGGAGAAT-3'

ClinVar aggregate classification (germline): Pathogenic (1 of 4 stars; one submission).

Conditions:
Autosomal recessive nonsyndromic hearing loss 84A. Also called: DEAFNESS, AUTOSOMAL RECESSIVE 84A; DEAFNESS, AUTOSOMAL RECESSIVE 84A, WITH VESTIBULAR DYSFUNCTION. Identifiers: Orphanet 90636, MedGen C3150654, MONDO:0013249, OMIM 613391.

Submission:

Institute of Rare Diseases, West China Hospital, Sichuan University
Classification: Pathogenic for Autosomal recessive nonsyndromic hearing loss 84A. Last evaluated: 2025-01-09. Review status: criteria provided, single submitter. Criteria: ClinGen HL ACMG Specifications v1. Collection method: research. Allele origin: germline. Affected: yes.
Comment: PVS1;PM3_Supporting;PM2_Supporting